The following is an entry in ClinVar:

NM_014967.5(FAN1):c.2802C>A (p.Cys934Ter)

Genes: FAN1 (FANCD2 and FANCI associated nuclease 1; plus strand), MTMR10 (myotubularin related protein 10; minus strand). Cytogenetic location: 15q13.3.
Variant type: single nucleotide variant.
Coding change: c.2802C>A on transcript NM_014967.5 (MANE Select); coding-DNA position 2802, C replaced by A.
Protein change: p.Cys934Ter; replaces cysteine 934 with a stop codon.
Molecular consequence: nonsense.
Genome position (GRCh38, 1-based): chr15:30,930,557, C>A. VCF-style: chr15-30930557-C-A. GRCh37 (hg19) VCF-style: chr15-31222760-C-A.
Other names: short protein forms C934*.
Identifiers: ClinVar variation 3345497 (VCV003345497.1).

ClinVar aggregate classification (germline): Likely pathogenic (0 of 4 stars; one submission).

Conditions:
FAN1-related disorder. Also called: FAN1-related condition.

Submission:

PreventionGenetics, part of Exact Sciences
Classification: Likely pathogenic for FAN1-related condition. Last evaluated: 2024-07-29. Review status: no assertion criteria provided. Collection method: clinical testing. Allele origin: germline.
Comment: The FAN1 c.2802C>A variant is predicted to result in premature protein termination (p.Cys934*). To our knowledge, this variant has not been reported in the literature or in a large population database, indicating this variant is rare. This variant is not reported in the ClinVar database. Nonsense variants in FAN1 are expected to be pathogenic. This variant is interpreted as likely pathogenic.